The following is an entry in ClinVar:

NM_006493.4(CLN5):c.417C>T (p.Phe139=)

Gene: CLN5 (CLN5 lysosomal BMP synthase; plus strand). Cytogenetic location: 13q22.3.
Variant type: single nucleotide variant.
Coding change: c.417C>T on transcript NM_006493.4 (MANE Select); coding-DNA position 417, C replaced by T.
Protein change: p.Phe139=; no amino-acid change (phenylalanine 139 retained).
Molecular consequence: synonymous variant.
Genome position (GRCh38, 1-based): chr13:76,995,979, C>T. VCF-style: chr13-76995979-C-T. GRCh37 (hg19) VCF-style: chr13-77570114-C-T.
Other names: c.564C>T (LRG_692t1); c.417C>T, p.Phe139= (NM_001366624.2).
Identifiers: ClinVar variation 377691 (VCV000377691.11), dbSNP rs371229525, ClinGen allele CA7007199.

ClinVar aggregate classification (germline): Likely benign. Review status: criteria provided, multiple submitters, no conflicts (2 of 4 stars). 3 submissions from 3 submitters: Likely benign (3). Last evaluated 2025-07-10.

Conditions:
Inborn genetic diseases. Identifiers: MedGen C0950123, MeSH D030342.
Neuronal ceroid lipofuscinosis. Also called: Neuronal Ceroid Lipofuscinoses. Identifiers: Orphanet 216, Orphanet 79263, MedGen C0027877, MONDO:0016295. Disease mechanism: loss of function.

Allele frequency attached by ClinVar (database versions not stated): gnomAD exomes 0.00001 and 0.00002; ExAC 0.00002; TOPMed 0.00006; gnomAD 0.00007 and 0.00009; ESP Exome Variant Server 0.00008.
gnomAD v4.1: 19 of 1,614,072 alleles (0.0012%); highest among the groups gnomAD compares: African/African-American, 0.025%; no homozygotes.

Submissions (3):

Labcorp Genetics (formerly Invitae), Labcorp
Classification: Likely benign for Neuronal ceroid lipofuscinosis. Last evaluated: 2025-07-10. Review status: criteria provided, single submitter. Criteria: Invitae Variant Classification Sherloc (09022015). Collection method: clinical testing. Allele origin: germline.

Ambry Genetics
Classification: Likely benign for Inborn genetic diseases. Last evaluated: 2018-05-15. Review status: criteria provided, single submitter. Criteria: Ambry Variant Classification Scheme 2023. Collection method: clinical testing. Allele origin: germline.

GeneDx
Classification: Likely benign. Last evaluated: 2017-03-01. Review status: criteria provided, single submitter. Criteria: GeneDx Variant Classification (06012015). Collection method: clinical testing. Allele origin: germline. Affected: yes.
Comment: This variant is considered likely benign or benign based on one or more of the following criteria: it is a conservative change, it occurs at a poorly conserved position in the protein, it is predicted to be benign by multiple in silico algorithms, and/or has population frequency not consistent with disease.